The following is an entry in ClinVar:

NM_004409.5(DMPK):c.*224CTG[371]

Genes: DM1-AS (DM1 locus antisense RNA; plus strand), DMPK (DM1 protein kinase; minus strand), LOC107075317 (origin of replication in DMPK trinucleotide repeat region; plus strand), LOC109461477 (dystrophia myotonica protein kinase repeat instability region; plus strand). Cytogenetic location: 19q13.32.
Variant type: Microsatellite.
Coding change: c.*224CTG[371] on transcript NM_004409.5 (MANE Select); 371 copies in a row of the 3-base unit CTG starting at c.*224.
Molecular consequence: 3 prime UTR variant.
Genome position: GRCh38, VCF-style position (the base before the change): chr19:45,770,204. GRCh37 (hg19), VCF-style position (the base before the change): chr19:46,273,462.
Other names: DM1 CTG repeat expansion; c.*217CTG[371] (NM_001424166.1, NM_001424163.1, NM_001081562.3 and 2 more transcripts); c.*369CTG[371] (NM_001424168.1, NM_001424164.1, NM_001288766.2); c.*224CTG[371] (NM_001424169.1, NM_001424165.1, NM_001081560.3 and 1 more transcripts); c.*222_*224TGC[371] (NM_001081563.3).
Identifiers: ClinVar variation 187968 (VCV000187968.1), ClinGen allele CA915951778.

ClinVar aggregate classification (germline): Pathogenic (0 of 4 stars; one submission).

Conditions:
Steinert myotonic dystrophy syndrome (DM1). Also called: STEINERT DISEASE; Myotonic dystrophy type 1; Dystrophia myotonica type 1; Steinert myotonic dystrophy; Steinert's disease. Identifiers: Orphanet 273, MedGen C3250443, MONDO:0008056, OMIM 160900.

Submission:

Institute of Molecular, Cell and Systems Biology, University of Glasgow
Classification: Pathogenic for Steinert myotonic dystrophy syndrome. Review status: no assertion criteria provided. Criteria: research. Collection method: research. Allele origin: germline. Inheritance: Autosomal dominant inheritance. Affected: yes. Observed: 1 heterozygote.
Comment: DMPK CTG repeat expansions greater than approximately 45-50 repeats are assumed to be pathogenic

This record is based on data published in PubMed 25052313, which reports only ClinVar accessions SCV000120188 and SCV000120189. The complete data set includes SCV000207445 - SCV000207579.

Literature cited by the submitters: PubMed 1346923; PubMed 1546326; PubMed 25052313.